The following is an entry in ClinVar:

NM_173630.4(RTTN):c.2856A>G (p.Leu952=)

Gene: RTTN (rotatin; minus strand). Cytogenetic location: 18q22.2.
Variant type: single nucleotide variant.
Coding change: c.2856A>G on transcript NM_173630.4 (MANE Select); coding-DNA position 2856, A replaced by G.
Protein change: p.Leu952=; no amino-acid change (leucine 952 retained).
Molecular consequence: synonymous variant.
Genome position (GRCh38, 1-based): chr18:70,135,213, T>C on the plus strand (A>G on the coding strand, the complement: RTTN is on the minus strand). VCF-style: chr18-70135213-T-C. GRCh37 (hg19) VCF-style: chr18-67802449-T-C.
Other names: c.120A>G, p.Leu40= (NM_001318520.2).
Identifiers: ClinVar variation 130172 (VCV000130172.16), dbSNP rs35139926, ClinGen allele CA154997.

ClinVar aggregate classification (germline): Benign. Review status: criteria provided, multiple submitters, no conflicts (2 of 4 stars). 5 submissions from 5 submitters: Benign (3). 2 of the submissions do not count toward it. Last evaluated 2026-02-01.

Conditions:
RTTN-related disorder. Also called: RTTN-related condition.

Allele frequency attached by ClinVar (database versions not stated): gnomAD 0.02051 and 0.01974; gnomAD exomes 0.02145 and 0.02290; 1000 Genomes Project 0.00539; 1000 Genomes Project 30x 0.00468; TOPMed 0.01449; ESP Exome Variant Server 0.01807; ExAC 0.01934.
gnomAD v4.1: 34,599 of 1,542,264 alleles (2.2%); highest among the groups gnomAD compares: Non-Finnish European, 2.5%; 495 homozygotes.

Submissions (5):

Labcorp Genetics (formerly Invitae), Labcorp
Classification: Benign. Last evaluated: 2026-02-01. Review status: criteria provided, single submitter. Criteria: Invitae Variant Classification Sherloc (09022015). Collection method: clinical testing. Allele origin: germline.

GeneDx
Classification: Benign. Last evaluated: 2016-05-02. Review status: criteria provided, single submitter. Criteria: GeneDx Variant Classification (06012015). Collection method: clinical testing. Allele origin: germline. Affected: yes.
Comment: This variant is considered likely benign or benign based on one or more of the following criteria: it is a conservative change, it occurs at a poorly conserved position in the protein, it is predicted to be benign by multiple in silico algorithms, and/or has population frequency not consistent with disease.

Breakthrough Genomics
Classification: Benign. Review status: criteria provided, single submitter. Criteria: ACMG Guidelines, 2015. Collection method: not provided. Allele origin: germline. Inheritance: Autosomal recessive inheritance. Affected: yes.

PreventionGenetics, part of Exact Sciences
Classification: Benign for RTTN-related condition. Last evaluated: 2019-04-01. Review status: no assertion criteria provided. Collection method: clinical testing. Allele origin: germline. Not counted in ClinVar's aggregate classification.
Comment: This variant is classified as benign based on ACMG/AMP sequence variant interpretation guidelines (Richards et al. 2015 PMID: 25741868, with internal and published modifications).

Genetic Services Laboratory, University of Chicago
Classification: Likely benign for AllHighlyPenetrant. Review status: no assertion criteria provided. Collection method: clinical testing. Allele origin: germline. Inheritance: Autosomal recessive inheritance. Not counted in ClinVar's aggregate classification.
Comment: Likely benign based on allele frequency in 1000 Genomes Project or ESP global frequency and its presence in a patient with a rare or unrelated disease phenotype. NOT Sanger confirmed.